The following is an entry in ClinVar:

ClinVar aggregate classification (germline): Conflicting classifications of pathogenicity. Review status: criteria provided, conflicting classifications (1 of 4 stars). 3 submissions from 3 submitters: Uncertain significance (2); Likely benign (1). Last evaluated 2023-03-23.

Conditions:
Hereditary cancer-predisposing syndrome. Also called: Neoplastic Syndromes, Hereditary; Hereditary neoplastic syndrome; Hereditary Cancer Syndrome; Tumor predisposition. Identifiers: Orphanet 140162, MedGen C0027672, MeSH D009386, MONDO:0015356.
Fanconi anemia, complementation group S (FANCS). Identifiers: MedGen C4554406, MONDO:0054748, OMIM 617883.

Allele frequency attached by ClinVar (database versions not stated): gnomAD exomes 0.00001.
gnomAD v4.1: 5 of 1,614,208 alleles (0.00031%); highest among the groups gnomAD compares: Non-Finnish European, 0.00042%; no homozygotes.

Submissions (3):

University of Washington Department of Laboratory Medicine, University of Washington
Classification: Likely benign for Hereditary cancer-predisposing syndrome. Last evaluated: 2023-03-23. Review status: criteria provided, single submitter. Criteria: Dines et al. (Genet Med. 2020). Collection method: curation. Allele origin: germline.
Comment: Missense variant in a coldspot region where missense variants are very unlikely to be pathogenic (PMID:31911673).

BRCA1 coldspot (exon 11 using historical exon numbering). Reclassification based on statistical prior probability

Department of Pathology and Laboratory Medicine, Sinai Health System
Classification: Uncertain significance for Fanconi anemia, complementation group S. Last evaluated: 2022-02-22. Review status: criteria provided, single submitter. Criteria: ACMG Guidelines, 2015. Collection method: clinical testing. Allele origin: germline.

Quest Diagnostics Nichols Institute San Juan Capistrano
Classification: Uncertain significance. Last evaluated: 2021-06-28. Review status: criteria provided, single submitter. Criteria: Quest Diagnostics criteria. Collection method: clinical testing. Allele origin: unknown.

Literature cited by the submitters: PubMed 33471991 (cited by Quest Diagnostics Nichols Institute San Juan Capistrano).

NM_007294.4(BRCA1):c.3716C>T (p.Ser1239Phe)

Genes: BRCA1 (BRCA1 DNA repair associated; minus strand), LOC126862571 (BRD4-independent group 4 enhancer GRCh37_chr17:41243136-41244335; plus strand). Cytogenetic location: 17q21.31.
Variant type: single nucleotide variant.
Coding change: c.3716C>T on transcript NM_007294.4 (MANE Select); coding-DNA position 3716, C replaced by T.
Protein change: p.Ser1239Phe; replaces serine 1239 with phenylalanine.
Molecular consequence: missense variant. On other transcripts: intron variant (135).
Genome position (GRCh38, 1-based): chr17:43,091,815, G>A on the plus strand (C>T on the coding strand, the complement: BRCA1 is on the minus strand). VCF-style: chr17-43091815-G-A. GRCh37 (hg19) VCF-style: chr17-41243832-G-A.
Other names: c.3590C>T, p.Ser1197Phe (NM_001407689.1, NM_001407690.1, NM_001407691.1 and 11 more transcripts); c.3575C>T, p.Ser1192Phe (NM_001407692.1, NM_001407694.1, NM_001407695.1 and 29 more transcripts); c.3572C>T, p.Ser1191Phe (NM_001407740.1, NM_001407741.1, NM_001407742.1 and 20 more transcripts); c.3503C>T, p.Ser1168Phe (NM_001407853.1, NM_001407894.1, NM_001407895.1 and 9 more transcripts); c.3716C>T, p.Ser1239Phe (NM_001407854.1, NM_001407858.1, NM_001407859.1 and 30 more transcripts); c.3713C>T, p.Ser1238Phe (NM_001407860.1, NM_001407861.1, NM_001407587.1 and 22 more transcripts); c.3515C>T, p.Ser1172Phe (NM_001407862.1); c.3593C>T, p.Ser1198Phe (NM_001407863.1, NM_001407919.1, NM_001407937.1 and 19 more transcripts); and 41 more; short protein forms S1071F, S1111F, S1112F, S1127F, S1128F, S1150F, S1151F, S1168F.
Identifiers: ClinVar variation 1809546 (VCV001809546.4), dbSNP rs2154292840, ClinGen allele CA10594533.